The following is an entry in ClinVar:

ClinVar aggregate classification (germline): Likely pathogenic (1 of 4 stars; one submission).

Submission:

GeneDx
Classification: Likely pathogenic. Last evaluated: 2016-06-13. Review status: criteria provided, single submitter. Criteria: GeneDx Variant Classification (06012015). Collection method: clinical testing. Allele origin: germline. Affected: yes.
Comment: The P532H variant in the GRIN1 gene has not been reported previously as a pathogenic variant, nor as a benign variant, to our knowledge. This variant was not observed in approximately 6400 individuals of European and African American ancestry in the NHLBI Exome Sequencing Project, indicating it is not a common benign variant in these populations. The P532H variant is a non-conservative amino acid substitution, which is likely to impact secondary protein structure as these residues differ in polarity, charge, size and/or other properties. This substitution occurs at a position that is conserved across species, and in silico analysis predicts this variant is probably damaging to the protein structure/function. The P532H variant is a strong candidate for a pathogenic variant

NM_007327.4(GRIN1):c.1595C>A (p.Pro532His)

Gene: GRIN1 (glutamate ionotropic receptor NMDA type subunit 1; plus strand). Cytogenetic location: 9q34.3.
Variant type: single nucleotide variant.
Coding change: c.1595C>A on transcript NM_007327.4 (MANE Select); coding-DNA position 1595, C replaced by A.
Protein change: p.Pro532His; replaces proline 532 with histidine.
Molecular consequence: missense variant.
Genome position (GRCh38, 1-based): chr9:137,162,051, C>A. VCF-style: chr9-137162051-C-A. GRCh37 (hg19) VCF-style: chr9-140056503-C-A.
Other names: c.1595C>A, p.Pro532His (NM_000832.7, NM_021569.4); c.1658C>A, p.Pro553His (NM_001185090.2, NM_001185091.2); short protein forms P532H, P553H.
Identifiers: ClinVar variation 421469 (VCV000421469.2), dbSNP rs1064795158, ClinGen allele CA16618808.